The following is an entry in ClinVar:

NM_001267550.2(TTN):c.70685G>T (p.Ser23562Ile)

Genes: TTN (titin; minus strand), TTN-AS1 (TTN antisense RNA 1; plus strand). Cytogenetic location: 2q31.2.
Variant type: single nucleotide variant.
Coding change: c.70685G>T on transcript NM_001267550.2 (MANE Select); coding-DNA position 70685, G replaced by T.
Protein change: p.Ser23562Ile; replaces serine 23562 with isoleucine.
Molecular consequence: missense variant.
Genome position (GRCh38, 1-based): chr2:178,575,447, C>A on the plus strand (G>T on the coding strand, the complement: TTN is on the minus strand). VCF-style: chr2-178575447-C-A. GRCh37 (hg19) VCF-style: chr2-179440174-C-A.
Other names: c.65762G>T, p.Ser21921Ile (NM_001256850.1); c.43490G>T, p.Ser14497Ile (NM_003319.4); c.62981G>T, p.Ser20994Ile (NM_133378.4); c.43865G>T, p.Ser14622Ile (NM_133432.3); c.44066G>T, p.Ser14689Ile (NM_133437.4); short protein forms S20994I, S23562I, S14497I, S14622I, S21921I, S14689I.
Identifiers: ClinVar variation 594902 (VCV000594902.7), dbSNP rs761119454, ClinGen allele CA1990745.

ClinVar aggregate classification (germline): Uncertain significance. Review status: criteria provided, multiple submitters, no conflicts (2 of 4 stars). 2 submissions from 2 submitters: Uncertain significance (2). Last evaluated 2024-03-26.

Allele frequency attached by ClinVar (database versions not stated): gnomAD exomes 0.00001; gnomAD 0.00001; TOPMed below 0.00001; ExAC 0.00001.
gnomAD v4.1: 25 of 1,613,446 alleles (0.0015%); highest among the groups gnomAD compares: Non-Finnish European, 0.002%; no homozygotes.

Submissions (2):

Women's Health and Genetics/Laboratory Corporation of America, LabCorp
Classification: Uncertain significance. Last evaluated: 2024-03-26. Review status: criteria provided, single submitter. Criteria: LabCorp Variant Classification Summary - May 2015. Collection method: clinical testing. Allele origin: germline.
Comment: Variant summary: TTN c.62981G>T (p.Ser20994Ile) results in a non-conservative amino acid change located in the Fibronectin type III domain (IPR003961) of the encoded protein sequence. Four of four in-silico tools predict a damaging effect of the variant on protein function. The variant allele was found at a frequency of 8.1e-06 in 248216 control chromosomes. The available data on variant occurrences in the general population are insufficient to allow any conclusion about variant significance. To our knowledge, no occurrence of c.62981G>T in individuals affected with Limb-Girdle Muscular Dystrophy, Type 2J and no experimental evidence demonstrating its impact on protein function have been reported. ClinVar contains an entry for this variant (Variation ID: 594902). Based on the evidence outlined above, the variant was classified as uncertain significance.

Eurofins Ntd Llc (ga)
Classification: Uncertain significance. Last evaluated: 2017-11-14. Review status: criteria provided, single submitter. Criteria: EGL Classification Definitions 2015. Collection method: clinical testing. Allele origin: germline. Observed: 1 variant allele, 1 heterozygote.